The following is an entry in ClinVar:

NM_001035.3(RYR2):c.168+4G>A

Gene: RYR2 (ryanodine receptor 2; plus strand). Cytogenetic location: 1q43.
Variant type: single nucleotide variant.
Coding change: c.168+4G>A on transcript NM_001035.3 (MANE Select); 4 bases into the intron after coding-DNA position 168, G replaced by A.
Molecular consequence: intron variant.
Genome position (GRCh38, 1-based): chr1:237,270,620, G>A. VCF-style: chr1-237270620-G-A. GRCh37 (hg19) VCF-style: chr1-237433920-G-A.
Identifiers: ClinVar variation 1041926 (VCV001041926.9), dbSNP rs1689584784, ClinGen allele CA2487266370.
Genomic context (GRCh38, chr1:237,270,620, plus strand): 5'-GCAGCAGAAGGATTTGGCAACAGACTTTGTTTCTTGGAGTCCACTTCCAATTCCAAGGTG[G>A]GATGAAGTCTTTCAAGGCTATTCAAATATGCAAGTTTTACTAGTGGCATTGAAGTTATTT-3'

ClinVar aggregate classification (germline): Uncertain significance. Review status: criteria provided, multiple submitters, no conflicts (2 of 4 stars). 2 submissions from 2 submitters: Uncertain significance (2). Last evaluated 2024-10-01.

Conditions:
Catecholaminergic polymorphic ventricular tachycardia 1. Also called: VENTRICULAR TACHYCARDIA, CATECHOLAMINERGIC POLYMORPHIC, 1, WITH OR WITHOUT ATRIAL DYSFUNCTION AND/OR DILATED CARDIOMYOPATHY; VENTRICULAR TACHYCARDIA, STRESS-INDUCED POLYMORPHIC 1; RYR2-Related Catecholaminergic Polymorphic Ventricular Tachycardia. Identifiers: Orphanet 3286, MedGen C1631597, MONDO:0011484, OMIM 604772.

Allele frequency attached by ClinVar (database versions not stated): gnomAD exomes below 0.00001.
gnomAD v4.1: 2 of 1,573,516 alleles (0.00013%); highest among the groups gnomAD compares: Non-Finnish European, 0.00017%; no homozygotes.

Submissions (2):

Women's Health and Genetics/Laboratory Corporation of America, LabCorp
Classification: Uncertain significance. Last evaluated: 2024-10-01. Review status: criteria provided, single submitter. Criteria: LabCorp Variant Classification Summary - May 2015. Collection method: clinical testing. Allele origin: germline.
Comment: Variant summary: RYR2 c.168+4G>A alters a conserved nucleotide located close to a canonical splice site and therefore could affect mRNA splicing, leading to a significantly altered protein sequence. Several computational tools predict a significant impact on normal splicing: Four predict the variant strengthens a 5' donor site. However, these predictions have yet to be confirmed by functional studies. The variant allele was found at a frequency of 1.3e-06 in 1573516 control chromosomes. The available data on variant occurrences in the general population are insufficient to allow any conclusion about variant significance. To our knowledge, no occurrence of c.168+4G>A in individuals affected with Catecholaminergic Polymorphic Ventricular Tachycardia and no experimental evidence demonstrating its impact on protein function have been reported. ClinVar contains an entry for this variant (Variation ID: 1041926). Based on the evidence outlined above, the variant was classified as uncertain significance.

Labcorp Genetics (formerly Invitae), Labcorp
Classification: Uncertain significance for Catecholaminergic polymorphic ventricular tachycardia 1. Last evaluated: 2022-07-05. Review status: criteria provided, single submitter. Criteria: Invitae Variant Classification Sherloc (09022015). Collection method: clinical testing. Allele origin: germline.
Comment: In summary, the available evidence is currently insufficient to determine the role of this variant in disease. Therefore, it has been classified as a Variant of Uncertain Significance. Variants that disrupt the consensus splice site are a relatively common cause of aberrant splicing (PMID: 17576681, 9536098). Algorithms developed to predict the effect of sequence changes on RNA splicing suggest that this variant is not likely to affect RNA splicing. ClinVar contains an entry for this variant (Variation ID: 1041926). This variant has not been reported in the literature in individuals affected with RYR2-related conditions. This variant is not present in population databases (gnomAD no frequency). This sequence change falls in intron 2 of the RYR2 gene. It does not directly change the encoded amino acid sequence of the RYR2 protein. It affects a nucleotide within the consensus splice site.

Literature cited by the submitters: PubMed 17576681 (cited by Labcorp Genetics (formerly Invitae), Labcorp); PubMed 9536098 (cited by Labcorp Genetics (formerly Invitae), Labcorp).